The following is an entry in ClinVar:

ClinVar aggregate classification (germline): Benign/Likely benign. Review status: criteria provided, multiple submitters, no conflicts (2 of 4 stars). 6 submissions from 6 submitters: Benign (1); Likely benign (5). Last evaluated 2026-01-06.

Conditions:
Hereditary cancer-predisposing syndrome. Also called: Neoplastic Syndromes, Hereditary; Tumor predisposition; Hereditary neoplastic syndrome; Hereditary Cancer Syndrome. Identifiers: Orphanet 140162, MedGen C0027672, MeSH D009386, MONDO:0015356.
Classic or attenuated familial adenomatous polyposis. Identifiers: MedGen CN372698, MONDO:0021057.
Familial adenomatous polyposis 1 (FAP1). Also called: POLYPOSIS, ADENOMATOUS INTESTINAL; FAMILIAL ADENOMATOUS POLYPOSIS 1, ATTENUATED. Identifiers: MedGen C2713442, MONDO:0021056, OMIM 175100. Disease mechanism: loss of function.

gnomAD v4.1: 3 of 1,614,152 alleles (0.00019%); highest among the groups gnomAD compares: Middle Eastern, 0.016%; no homozygotes.

Submissions (6):

Labcorp Genetics (formerly Invitae), Labcorp
Classification: Likely benign for Familial adenomatous polyposis 1. Last evaluated: 2026-01-06. Review status: criteria provided, single submitter. Criteria: Invitae Variant Classification Sherloc (09022015). Collection method: clinical testing. Allele origin: germline.

CeGaT Center for Human Genetics Tuebingen
Classification: Likely benign. Last evaluated: 2026-01-01. Review status: criteria provided, single submitter. Criteria: CeGaT Center For Human Genetics Tuebingen Variant Classification Criteria Version 2. Collection method: clinical testing. Allele origin: germline. Affected: yes. Observed: 1 variant allele.
Comment: APC: BP4, BP7

Center for Genomic Medicine, Rigshospitalet, Copenhagen University Hospital
Classification: Likely benign. Last evaluated: 2025-03-04. Review status: criteria provided, single submitter. Criteria: ACMG Guidelines, 2015. Collection method: clinical testing. Allele origin: germline.
Comment: Classification criteria: BP4+BP7

Myriad Genetics, Inc.
Classification: Benign for Familial adenomatous polyposis 1. Last evaluated: 2024-03-08. Review status: criteria provided, single submitter. Criteria: Myriad Autosomal Dominant, Autosomal Recessive and X-Linked Classification Criteria (2023). Collection method: clinical testing. Allele origin: unknown.
Comment: This variant is considered benign. This variant is a silent/synonymous amino acid change and it is not expected to impact splicing.

All of Us Research Program, National Institutes of Health
Classification: Likely benign for Classic or attenuated familial adenomatous polyposis. Last evaluated: 2024-02-05. Review status: criteria provided, single submitter. Criteria: ACMG Guidelines, 2015. Collection method: clinical testing. Allele origin: germline. Inheritance: Autosomal dominant inheritance. Observed: 1 variant allele, 1 heterozygote.
Comment: This study involves interpretation of variants in research participants for the purpose of population health screening. Participant phenotype was not available at the time of variant classification. Additional details can be found in publication PMID: 35346344, PMCID: PMC8962531

Ambry Genetics
Classification: Likely benign for Hereditary cancer-predisposing syndrome. Last evaluated: 2015-12-05. Review status: criteria provided, single submitter. Criteria: Ambry Variant Classification Scheme 2023. Collection method: clinical testing. Allele origin: germline.

NM_000038.6(APC):c.2085G>A (p.Gln695=)

Gene: APC (APC regulator of Wnt signaling pathway; plus strand). Cytogenetic location: 5q22.2.
Variant type: single nucleotide variant.
Coding change: c.2085G>A on transcript NM_000038.6 (MANE Select); coding-DNA position 2085, G replaced by A.
Protein change: p.Gln695=; no amino-acid change (glutamine 695 retained).
Molecular consequence: synonymous variant.
Genome position (GRCh38, 1-based): chr5:112,837,679, G>A. VCF-style: chr5-112837679-G-A. GRCh37 (hg19) VCF-style: chr5-112173376-G-A.
Other names: c.2085G>A, p.Gln695= (NM_001127510.3, NM_001354895.2); c.2031G>A, p.Gln677= (NM_001127511.3); c.2139G>A, p.Gln713= (NM_001354896.2); c.2115G>A, p.Gln705= (NM_001354897.2); c.2010G>A, p.Gln670= (NM_001354898.2); c.2001G>A, p.Gln667= (NM_001354899.2); c.1962G>A, p.Gln654= (NM_001354900.2); c.1908G>A, p.Gln636= (NM_001354901.2); and 5 more.
Identifiers: ClinVar variation 1092088 (VCV001092088.18), dbSNP rs2149860192, ClinGen allele CA445963391.